The following is an entry in ClinVar:

ClinVar aggregate classification (germline): Uncertain significance (1 of 4 stars; one submission).

Allele frequency attached by ClinVar (database versions not stated): gnomAD exomes below 0.00001; TOPMed below 0.00001.
gnomAD v4.1: 2 of 1,613,178 alleles (0.00012%); highest among the groups gnomAD compares: Admixed American, 0.0033%; no homozygotes.

Submission:

CeGaT Center for Human Genetics Tuebingen
Classification: Uncertain significance. Last evaluated: 2022-05-01. Review status: criteria provided, single submitter. Criteria: CeGaT Center For Human Genetics Tuebingen Variant Classification Criteria Version 2. Collection method: clinical testing. Allele origin: germline. Affected: yes. Observed: 1 variant allele.
Comment: SHANK2: PM2, BP4

NM_012309.5(SHANK2):c.4102A>G (p.Thr1368Ala)

Gene: SHANK2 (SH3 and multiple ankyrin repeat domains 2; minus strand). Cytogenetic location: 11q13.3.
Variant type: single nucleotide variant.
Coding change: c.4102A>G on transcript NM_012309.5 (MANE Select); coding-DNA position 4102, A replaced by G.
Protein change: p.Thr1368Ala; replaces threonine 1368 with alanine.
Molecular consequence: missense variant.
Genome position (GRCh38, 1-based): chr11:70,486,191, T>C on the plus strand (A>G on the coding strand, the complement: SHANK2 is on the minus strand). VCF-style: chr11-70486191-T-C. GRCh37 (hg19) VCF-style: chr11-70332296-T-C.
Other names: c.2965A>G, p.Thr989Ala (NM_001379226.1); c.2338A>G, p.Thr780Ala (NM_133266.5); short protein forms T1368A, T780A, T989A.
Identifiers: ClinVar variation 2642077 (VCV002642077.24), dbSNP rs2058801883, ClinGen allele CA381684129.